The following is an entry in ClinVar:

NM_001648.2(KLK3):c.699A>G (p.Pro233=)

Gene: KLK3 (kallikrein related peptidase 3; plus strand). Cytogenetic location: 19q13.33.
Variant type: single nucleotide variant.
Coding change: c.699A>G on transcript NM_001648.2 (MANE Select); coding-DNA position 699, A replaced by G.
Protein change: p.Pro233=; no amino-acid change (proline 233 retained).
Molecular consequence: synonymous variant. On other transcripts: 3 prime UTR variant (1).
Genome position (GRCh38, 1-based): chr19:50,860,040, A>G. VCF-style: chr19-50860040-A-G. GRCh37 (hg19) VCF-style: chr19-51363296-A-G.
Other names: c.*424A>G (NM_001030047.1); c.570A>G, p.Pro190= (NM_001030048.1).
Identifiers: ClinVar variation 3039521 (VCV003039521.2), dbSNP rs79245399, ClinGen allele CA9604596.

ClinVar aggregate classification (germline): Benign (0 of 4 stars; one submission).

Conditions:
KLK3-related disorder. Also called: KLK3-related condition.

Allele frequency attached by ClinVar (database versions not stated): gnomAD exomes 0.00036; ExAC 0.00133; 1000 Genomes Project 0.00339; 1000 Genomes Project 30x 0.00344; gnomAD 0.00422; TOPMed 0.00507; ESP Exome Variant Server 0.00577.
gnomAD v4.1: 1,180 of 1,614,116 alleles (0.073%); highest among the groups gnomAD compares: African/African-American, 1.4%; 5 homozygotes.

Submission:

PreventionGenetics, part of Exact Sciences
Classification: Benign for KLK3-related condition. Last evaluated: 2019-05-22. Review status: no assertion criteria provided. Collection method: clinical testing. Allele origin: germline.
Comment: This variant is classified as benign based on ACMG/AMP sequence variant interpretation guidelines (Richards et al. 2015 PMID: 25741868, with internal and published modifications).